The following is an entry in ClinVar:

NM_015450.3(POT1):c.1123T>A (p.Phe375Ile)

Gene: POT1 (protection of telomeres 1; minus strand). Cytogenetic location: 7q31.33.
Variant type: single nucleotide variant.
Coding change: c.1123T>A on transcript NM_015450.3 (MANE Select); coding-DNA position 1123, T replaced by A.
Protein change: p.Phe375Ile; replaces phenylalanine 375 with isoleucine.
Molecular consequence: missense variant. On other transcripts: non-coding transcript variant (3).
Genome position (GRCh38, 1-based): chr7:124,842,847, A>T on the plus strand (T>A on the coding strand, the complement: POT1 is on the minus strand). VCF-style: chr7-124842847-A-T. GRCh37 (hg19) VCF-style: chr7-124482901-A-T.
Other names: c.730T>A, p.Phe244Ile (NM_001042594.2); short protein forms F375I, F244I.
Identifiers: ClinVar variation 575482 (VCV000575482.10), dbSNP rs1562981806, ClinGen allele CA369068247.
Genomic context (GRCh38, chr7:124,842,847, plus strand): 5'-TTATTATGGAAAATACTCACAGCAAATGACATTTAGGGCAATGAAGTTTAACAGACTGAA[A>T]TAGTCTTCTGGGCTTATATGACCTCAATTTTGCTCGGATGCGGTATTGTTGAGGAGCTTT-3'
Protein context (NP_056265.2, residues 365-385): KLRSYKPRRL[Phe375Ile]QSVKLHCPKC

ClinVar aggregate classification (germline): Uncertain significance. Review status: criteria provided, multiple submitters, no conflicts (2 of 4 stars). 2 submissions from 2 submitters: Uncertain significance (2). Last evaluated 2023-12-29.

Conditions:
Hereditary cancer-predisposing syndrome. Also called: Tumor predisposition; Neoplastic Syndromes, Hereditary; Hereditary neoplastic syndrome; Hereditary Cancer Syndrome. Identifiers: Orphanet 140162, MedGen C0027672, MeSH D009386, MONDO:0015356.
Tumor predisposition syndrome 3 (TPDS3). Also called: Melanoma, cutaneous malignant, susceptibility to, 10; LONG TELOMERE SYNDROME, POT1-RELATED; POT1 Tumor Predisposition; Glioma susceptibility 9. Identifiers: Orphanet 618, MedGen C4014476, MONDO:0014368, OMIM 615848.

Submissions (2):

Ambry Genetics
Classification: Uncertain significance for Hereditary cancer-predisposing syndrome. Last evaluated: 2023-12-29. Review status: criteria provided, single submitter. Criteria: Ambry Variant Classification Scheme 2023. Collection method: clinical testing. Allele origin: germline.
Comment: The p.F375I variant (also known as c.1123T>A), located in coding exon 9 of the POT1 gene, results from a T to A substitution at nucleotide position 1123. The phenylalanine at codon 375 is replaced by isoleucine, an amino acid with highly similar properties. This amino acid position is conserved. In addition, this alteration is predicted to be tolerated by in silico analysis. Since supporting evidence is limited at this time, the clinical significance of this alteration remains unclear.

Labcorp Genetics (formerly Invitae), Labcorp
Classification: Uncertain significance for Tumor predisposition syndrome 3. Last evaluated: 2018-02-26. Review status: criteria provided, single submitter. Criteria: Invitae Variant Classification Sherloc (09022015). Collection method: clinical testing. Allele origin: germline.
Comment: In summary, the available evidence is currently insufficient to determine the role of this variant in disease. Therefore, it has been classified as a Variant of Uncertain Significance. Algorithms developed to predict the effect of missense changes on protein structure and function (SIFT, PolyPhen-2, Align-GVGD) all suggest that this variant is likely to be tolerated, but these predictions have not been confirmed by published functional studies and their clinical significance is uncertain. This variant has not been reported in the literature in individuals with POT1-related disease. This variant is not present in population databases (ExAC no frequency). This sequence change replaces phenylalanine with isoleucine at codon 375 of the POT1 protein (p.Phe375Ile). The phenylalanine residue is weakly conserved and there is a small physicochemical difference between phenylalanine and isoleucine.